The following is an entry in ClinVar:

ClinVar aggregate classification (germline): Uncertain significance. Review status: criteria provided, multiple submitters, no conflicts (2 of 4 stars). 2 submissions from 2 submitters: Uncertain significance (2). Last evaluated 2025-03-22.

Submissions (2):

Ambry Genetics
Classification: Uncertain significance. Last evaluated: 2025-03-22. Review status: criteria provided, single submitter. Criteria: Ambry Variant Classification Scheme 2023. Collection method: clinical testing. Allele origin: germline.

Labcorp Genetics (formerly Invitae), Labcorp
Classification: Uncertain significance. Last evaluated: 2022-04-16. Review status: criteria provided, single submitter. Criteria: Invitae Variant Classification Sherloc (09022015). Collection method: clinical testing. Allele origin: germline.
Comment: In summary, the available evidence is currently insufficient to determine the role of this variant in disease. Therefore, it has been classified as a Variant of Uncertain Significance. Algorithms developed to predict the effect of missense changes on protein structure and function are either unavailable or do not agree on the potential impact of this missense change (SIFT: "Deleterious"; PolyPhen-2: "Benign"; Align-GVGD: "Class C0"). This variant has not been reported in the literature in individuals affected with ARHGEF1-related conditions. This variant is not present in population databases (gnomAD no frequency). This sequence change replaces lysine, which is basic and polar, with arginine, which is basic and polar, at codon 277 of the ARHGEF1 protein (p.Lys277Arg).

NM_004706.4(ARHGEF1):c.785A>G (p.Lys262Arg)

Gene: ARHGEF1 (Rho guanine nucleotide exchange factor 1; plus strand). Cytogenetic location: 19q13.2.
Variant type: single nucleotide variant.
Coding change: c.785A>G on transcript NM_004706.4 (MANE Select); coding-DNA position 785, A replaced by G.
Protein change: p.Lys262Arg; replaces lysine 262 with arginine.
Molecular consequence: missense variant. On other transcripts: non-coding transcript variant (2).
Genome position (GRCh38, 1-based): chr19:41,894,491, A>G. VCF-style: chr19-41894491-A-G. GRCh37 (hg19) VCF-style: chr19-42398564-A-G.
Other names: c.830A>G (NM_199002.1); c.785A>G, p.Lys262Arg (NM_001396000.1, NM_001396003.1, NM_001396006.1); c.686A>G, p.Lys229Arg (NM_001396002.1, NM_001396004.1, NM_198977.2); c.830A>G, p.Lys277Arg (NM_199002.2); short protein forms K229R, K262R, K277R.
Identifiers: ClinVar variation 2125127 (VCV002125127.5), dbSNP rs2074444577, ClinGen allele CA406052358.